The following is an entry in ClinVar:

NM_001080467.3(MYO5B):c.2246G>C (p.Arg749Pro)

Gene: MYO5B (myosin VB; minus strand). Cytogenetic location: 18q21.1.
Variant type: single nucleotide variant.
Coding change: c.2246G>C on transcript NM_001080467.3 (MANE Select); coding-DNA position 2246, G replaced by C.
Protein change: p.Arg749Pro; replaces arginine 749 with proline.
Molecular consequence: missense variant.
Genome position (GRCh38, 1-based): chr18:49,906,587, C>G on the plus strand (G>C on the coding strand, the complement: MYO5B is on the minus strand). VCF-style: chr18-49906587-C-G. GRCh37 (hg19) VCF-style: chr18-47432957-C-G.
Other names: short protein forms R749P.
Identifiers: ClinVar variation 4977697 (VCV004977697.1).

ClinVar aggregate classification (germline): Uncertain significance (1 of 4 stars; one submission).

Conditions:
MYO5B-related disorder. Also called: MYO5B-related condition.

gnomAD v4.1: 3 of 1,614,068 alleles (0.00019%); highest among the groups gnomAD compares: East Asian, 0.0045%; no homozygotes.

Submission:

PreventionGenetics, part of Exact Sciences
Classification: Uncertain significance for MYO5B-related condition. Last evaluated: 2026-06-11. Review status: criteria provided, single submitter. Criteria: ACMG Guidelines, 2015. Collection method: clinical testing. Allele origin: germline.
Comment: The MYO5B c.2246G>C variant is predicted to result in the amino acid substitution p.Arg749Pro. To our knowledge, this variant has not been reported in the literature. This variant is reported in 0.028% of alleles in individuals of East Asian descent in gnomAD. At this time, the clinical significance of this variant is uncertain due to the absence of conclusive functional and genetic evidence.